The following is an entry in ClinVar:

ClinVar aggregate classification (germline): Uncertain significance. Review status: criteria provided, multiple submitters, no conflicts (2 of 4 stars). 2 submissions from 2 submitters: Uncertain significance (2). Last evaluated 2023-08-20.

Conditions:
Hereditary cancer-predisposing syndrome. Also called: Tumor predisposition; Hereditary neoplastic syndrome; Neoplastic Syndromes, Hereditary; Hereditary Cancer Syndrome. Identifiers: Orphanet 140162, MedGen C0027672, MeSH D009386, MONDO:0015356.
Familial adenomatous polyposis 1 (FAP1). Also called: FAMILIAL ADENOMATOUS POLYPOSIS 1, ATTENUATED; POLYPOSIS, ADENOMATOUS INTESTINAL. Identifiers: MedGen C2713442, MONDO:0021056, OMIM 175100. Disease mechanism: loss of function.

Allele frequency attached by ClinVar (database versions not stated): TOPMed 0.00001.

Submissions (2):

Labcorp Genetics (formerly Invitae), Labcorp
Classification: Uncertain significance for Familial adenomatous polyposis 1. Last evaluated: 2023-08-20. Review status: criteria provided, single submitter. Criteria: Invitae Variant Classification Sherloc (09022015). Collection method: clinical testing. Allele origin: germline.
Comment: In summary, the available evidence is currently insufficient to determine the role of this variant in disease. Therefore, it has been classified as a Variant of Uncertain Significance. Advanced modeling of protein sequence and biophysical properties (such as structural, functional, and spatial information, amino acid conservation, physicochemical variation, residue mobility, and thermodynamic stability) performed at Invitae indicates that this missense variant is not expected to disrupt APC protein function. ClinVar contains an entry for this variant (Variation ID: 819213). This variant has not been reported in the literature in individuals affected with APC-related conditions. This variant is not present in population databases (gnomAD no frequency). This sequence change replaces glutamine, which is neutral and polar, with proline, which is neutral and non-polar, at codon 480 of the APC protein (p.Gln480Pro).

Ambry Genetics
Classification: Uncertain significance for Hereditary cancer-predisposing syndrome. Last evaluated: 2022-04-18. Review status: criteria provided, single submitter. Criteria: Ambry Variant Classification Scheme 2023. Collection method: clinical testing. Allele origin: germline.
Comment: The p.Q480P variant (also known as c.1439A>C), located in coding exon 11 of the APC gene, results from an A to C substitution at nucleotide position 1439. The glutamine at codon 480 is replaced by proline, an amino acid with similar properties. This amino acid position is highly conserved in available vertebrate species. In addition, in silico predictors for this gene do not accurately predict pathogenicity. Since supporting evidence is limited at this time, the clinical significance of this alteration remains unclear.

NM_000038.6(APC):c.1439A>C (p.Gln480Pro)

Gene: APC (APC regulator of Wnt signaling pathway; plus strand). Cytogenetic location: 5q22.2.
Variant type: single nucleotide variant.
Coding change: c.1439A>C on transcript NM_000038.6 (MANE Select); coding-DNA position 1439, A replaced by C.
Protein change: p.Gln480Pro; replaces glutamine 480 with proline.
Molecular consequence: missense variant.
Genome position (GRCh38, 1-based): chr5:112,827,138, A>C. VCF-style: chr5-112827138-A-C. GRCh37 (hg19) VCF-style: chr5-112162835-A-C.
Other names: c.1439A>C, p.Gln480Pro (NM_001127510.3, NM_001354895.2); c.1385A>C, p.Gln462Pro (NM_001127511.3); c.1493A>C, p.Gln498Pro (NM_001354896.2); c.1469A>C, p.Gln490Pro (NM_001354897.2); c.1364A>C, p.Gln455Pro (NM_001354898.2); c.1355A>C, p.Gln452Pro (NM_001354899.2); c.1316A>C, p.Gln439Pro (NM_001354900.2); c.1262A>C, p.Gln421Pro (NM_001354901.2); and 5 more; short protein forms Q439P, Q480P, Q490P, Q498P, Q197P, Q379P, Q421P, Q452P.
Identifiers: ClinVar variation 819213 (VCV000819213.7), dbSNP rs1580564593, ClinGen allele CA16024454.